The following is an entry in ClinVar:

NM_018127.7(ELAC2):c.651G>A (p.Ser217=)

Gene: ELAC2 (elaC ribonuclease Z 2; minus strand). Cytogenetic location: 17p12.
Variant type: single nucleotide variant.
Coding change: c.651G>A on transcript NM_018127.7 (MANE Select); coding-DNA position 651, G replaced by A.
Protein change: p.Ser217=; no amino-acid change (serine 217 retained).
Molecular consequence: synonymous variant. On other transcripts: intron variant (1).
Genome position (GRCh38, 1-based): chr17:13,011,691, C>T on the plus strand (G>A on the coding strand, the complement: ELAC2 is on the minus strand). VCF-style: chr17-13011691-C-T. GRCh37 (hg19) VCF-style: chr17-12915008-C-T.
Other names: c.651G>A, p.Ser217= (NM_173717.2); c.560-1020G>A (NM_001165962.2).
Identifiers: ClinVar variation 695666 (VCV000695666.13), dbSNP rs201530031, ClinGen allele CA8401569.

ClinVar aggregate classification (germline): Conflicting classifications of pathogenicity. Review status: criteria provided, conflicting classifications (1 of 4 stars). 2 submissions from 2 submitters: Uncertain significance (1); Likely benign (1). Last evaluated 2026-01-18.

Conditions:
Combined oxidative phosphorylation defect type 17. Also called: Combined oxidative phosphorylation deficiency 17. Identifiers: Orphanet 369913, MedGen C3809526, MONDO:0014190, OMIM 615440.

Allele frequency attached by ClinVar (database versions not stated): gnomAD 0.00001; gnomAD exomes 0.00001 and 0.00007; ExAC 0.00003; TOPMed 0.00003; 1000 Genomes Project 0.00020; 1000 Genomes Project 30x 0.00047.

Submissions (2):

Labcorp Genetics (formerly Invitae), Labcorp
Classification: Likely benign for Combined oxidative phosphorylation defect type 17. Last evaluated: 2026-01-18. Review status: criteria provided, single submitter. Criteria: Invitae Variant Classification Sherloc (09022015). Collection method: clinical testing. Allele origin: germline.

GeneDx
Classification: Uncertain significance. Last evaluated: 2025-09-24. Review status: criteria provided, single submitter. Criteria: GeneDx Variant Classification Process June 2021. Collection method: clinical testing. Allele origin: germline.
Comment: Has not been previously published as pathogenic or benign to our knowledge; In silico analysis is inconclusive as to whether the variant alters gene splicing. In the absence of RNA/functional studies, the actual effect of this sequence change is unknown.